The following is an entry in ClinVar:

NM_197968.4(ZMYM2):c.2732del (p.Pro911fs)

Gene: ZMYM2 (zinc finger MYM-type containing 2; plus strand). Cytogenetic location: 13q12.11.
Variant type: Deletion.
Coding change: c.2732del on transcript NM_197968.4 (MANE Select); coding-DNA position 2732, one base deleted (C; older notation c.2732delC).
Protein change: p.Pro911fs; shifts the reading frame from proline 911.
Molecular consequence: frameshift variant. On other transcripts: non-coding transcript variant (1).
Genome position (GRCh38, 1-based): chr13:20,059,555, C deleted; the last of 2 consecutive C bases (chr13:20,059,554-20,059,555); deleting either gives the same sequence. VCF-style (leftmost placement, unchanged base first): chr13-20059553-TC-T. GRCh37 (hg19) VCF-style: chr13-20633693-TC-T.
Other names: c.2732del, p.Pro911fs (NM_001190964.4, NM_001190965.4, NM_001353157.2 and 5 more transcripts); c.2537del, p.Pro846fs (NM_001353161.3); c.2471del, p.Pro824fs (NM_001353163.2); short protein forms P824fs, P846fs, P911fs.
Identifiers: ClinVar variation 4635087 (VCV004635087.1).

ClinVar aggregate classification (germline): Pathogenic (1 of 4 stars; one submission).

Conditions:
Inborn genetic diseases. Identifiers: MedGen C0950123, MeSH D030342.

Submission:

Ambry Genetics
Classification: Pathogenic for Inborn genetic diseases. Last evaluated: 2025-09-24. Review status: criteria provided, single submitter. Criteria: Ambry Variant Classification Scheme 2023. Collection method: clinical testing. Allele origin: germline.
Comment: The c.2732delC alteration, located in exon 17 (coding exon 14) of the ZMYM2 gene, consists of a deletion of one nucleotide at position 2732, causing a translational frameshift with a predicted alternate stop codon after 27 amino acids. This alteration is expected to result in loss of function by premature protein truncation or nonsense-mediated mRNA decay. This variant was not reported in population-based cohorts in the Genome Aggregation Database (gnomAD). Based on the available evidence, this alteration is classified as pathogenic.